The following is an entry in ClinVar:

NM_006904.7(PRKDC):c.5162A>G (p.His1721Arg)

Gene: PRKDC (protein kinase, DNA-activated, catalytic subunit; minus strand). Cytogenetic location: 8q11.21.
Variant type: single nucleotide variant.
Coding change: c.5162A>G on transcript NM_006904.7 (MANE Select); coding-DNA position 5162, A replaced by G.
Protein change: p.His1721Arg; replaces histidine 1721 with arginine.
Molecular consequence: missense variant.
Genome position (GRCh38, 1-based): chr8:47,879,564, T>C on the plus strand (A>G on the coding strand, the complement: PRKDC is on the minus strand). VCF-style: chr8-47879564-T-C. GRCh37 (hg19) VCF-style: chr8-48792125-T-C.
Other names: c.5162A>G, p.His1721Arg (NM_001081640.2); short protein forms H1721R.
Identifiers: ClinVar variation 960473 (VCV000960473.9), dbSNP rs745483541, ClinGen allele CA4740700.

ClinVar aggregate classification (germline): Uncertain significance (1 of 4 stars; one submission).

Conditions:
Severe combined immunodeficiency due to DNA-PKcs deficiency. Also called: IMMUNODEFICIENCY 26 WITH NEUROLOGIC ABNORMALITIES; Immunodeficiency 26 with or without neurologic abnormalities. Identifiers: Orphanet 317425, MedGen C4014833, MONDO:0014423, OMIM 615966.

Allele frequency attached by ClinVar (database versions not stated): gnomAD 0.00002; gnomAD exomes 0.00002 and 0.00004; TOPMed 0.00002; ExAC 0.00006.
gnomAD v4.1: 15 of 1,596,928 alleles (0.00094%); highest among the groups gnomAD compares: Admixed American, 0.026%; no homozygotes.

Submission:

Labcorp Genetics (formerly Invitae), Labcorp
Classification: Uncertain significance for Severe combined immunodeficiency due to DNA-PKcs deficiency. Last evaluated: 2024-05-31. Review status: criteria provided, single submitter. Criteria: Invitae Variant Classification Sherloc (09022015). Collection method: clinical testing. Allele origin: germline.
Comment: This sequence change replaces histidine, which is basic and polar, with arginine, which is basic and polar, at codon 1721 of the PRKDC protein (p.His1721Arg). This variant is present in population databases (rs745483541, gnomAD 0.03%). This variant has not been reported in the literature in individuals affected with PRKDC-related conditions. ClinVar contains an entry for this variant (Variation ID: 960473). Advanced modeling of protein sequence and biophysical properties (such as structural, functional, and spatial information, amino acid conservation, physicochemical variation, residue mobility, and thermodynamic stability) performed at Invitae indicates that this missense variant is not expected to disrupt PRKDC protein function with a negative predictive value of 80%. In summary, the available evidence is currently insufficient to determine the role of this variant in disease. Therefore, it has been classified as a Variant of Uncertain Significance.